The following is an entry in ClinVar:

ClinVar aggregate classification (germline): Uncertain significance. Review status: criteria provided, multiple submitters, no conflicts (2 of 4 stars). 2 submissions from 2 submitters: Uncertain significance (2). Last evaluated 2025-07-03.

Conditions:
Baller-Gerold syndrome (BGS). Also called: CRANIOSYNOSTOSIS WITH RADIAL DEFECTS. Identifiers: Orphanet 1225, MedGen C0265308, MONDO:0009039, OMIM 218600.
Inborn genetic diseases. Identifiers: MedGen C0950123, MeSH D030342.

Allele frequency attached by ClinVar (database versions not stated): gnomAD exomes below 0.00001; TOPMed below 0.00001; gnomAD 0.00001.
gnomAD v4.1: 3 of 1,609,346 alleles (0.00019%); highest among the groups gnomAD compares: East Asian, 0.0067%; no homozygotes.

Submissions (2):

Ambry Genetics
Classification: Uncertain significance for Inborn genetic diseases. Last evaluated: 2025-07-03. Review status: criteria provided, single submitter. Criteria: Ambry Variant Classification Scheme 2023. Collection method: clinical testing. Allele origin: germline.
Comment: The p.G203R variant (also known as c.607G>A), located in coding exon 5 of the RECQL4 gene, results from a G to A substitution at nucleotide position 607. The glycine at codon 203 is replaced by arginine, an amino acid with dissimilar properties. This amino acid position is conserved. In addition, this alteration is predicted to be tolerated by in silico analysis. Based on the available evidence, the clinical significance of this variant remains unclear.

Labcorp Genetics (formerly Invitae), Labcorp
Classification: Uncertain significance for Baller-Gerold syndrome. Last evaluated: 2024-02-02. Review status: criteria provided, single submitter. Criteria: Invitae Variant Classification Sherloc (09022015). Collection method: clinical testing. Allele origin: germline.
Comment: This sequence change replaces glycine, which is neutral and non-polar, with arginine, which is basic and polar, at codon 203 of the RECQL4 protein (p.Gly203Arg). This variant is present in population databases (no rsID available, gnomAD 0.006%). This variant has not been reported in the literature in individuals affected with RECQL4-related conditions. ClinVar contains an entry for this variant (Variation ID: 1403240). Advanced modeling of protein sequence and biophysical properties (such as structural, functional, and spatial information, amino acid conservation, physicochemical variation, residue mobility, and thermodynamic stability) performed at Invitae indicates that this missense variant is not expected to disrupt RECQL4 protein function with a negative predictive value of 80%. In summary, the available evidence is currently insufficient to determine the role of this variant in disease. Therefore, it has been classified as a Variant of Uncertain Significance.

NM_004260.4(RECQL4):c.607G>A (p.Gly203Arg)

Gene: RECQL4 (RecQ like helicase 4; minus strand). Cytogenetic location: 8q24.3.
Variant type: single nucleotide variant.
Coding change: c.607G>A on transcript NM_004260.4 (MANE Select); coding-DNA position 607, G replaced by A.
Protein change: p.Gly203Arg; replaces glycine 203 with arginine.
Molecular consequence: missense variant.
Genome position (GRCh38, 1-based): chr8:144,516,512, C>T on the plus strand (G>A on the coding strand, the complement: RECQL4 is on the minus strand). VCF-style: chr8-144516512-C-T. GRCh37 (hg19) VCF-style: chr8-145741896-C-T.
Other names: c.607G>A (NM_004260.3); short protein forms G203R.
Identifiers: ClinVar variation 1403240 (VCV001403240.8), dbSNP rs1336852149, ClinGen allele CA372690100.